The following is an entry in ClinVar:

NM_001252024.2(TRPM1):c.3632T>C (p.Val1211Ala)

Gene: TRPM1 (transient receptor potential cation channel subfamily M member 1; minus strand). Cytogenetic location: 15q13.3.
Variant type: single nucleotide variant.
Coding change: c.3632T>C on transcript NM_001252024.2 (MANE Select); coding-DNA position 3632, T replaced by C.
Protein change: p.Val1211Ala; replaces valine 1211 with alanine.
Molecular consequence: missense variant.
Genome position (GRCh38, 1-based): chr15:31,003,068, A>G on the plus strand (T>C on the coding strand, the complement: TRPM1 is on the minus strand). VCF-style: chr15-31003068-A-G. GRCh37 (hg19) VCF-style: chr15-31295271-A-G.
Other names: c.3683T>C, p.Val1228Ala (NM_001252020.2); c.3566T>C, p.Val1189Ala (NM_002420.6); short protein forms V1189A, V1211A, V1228A.
Identifiers: ClinVar variation 1353610 (VCV001353610.8), dbSNP rs1168555215, ClinGen allele CA391532586.

ClinVar aggregate classification (germline): Uncertain significance (1 of 4 stars; one submission).

Submission:

Labcorp Genetics (formerly Invitae), Labcorp
Classification: Uncertain significance. Last evaluated: 2022-11-22. Review status: criteria provided, single submitter. Criteria: Invitae Variant Classification Sherloc (09022015). Collection method: clinical testing. Allele origin: germline.
Comment: In summary, the available evidence is currently insufficient to determine the role of this variant in disease. Therefore, it has been classified as a Variant of Uncertain Significance. Algorithms developed to predict the effect of missense changes on protein structure and function are either unavailable or do not agree on the potential impact of this missense change (SIFT: "Deleterious"; PolyPhen-2: "Benign"; Align-GVGD: "Class C0"). ClinVar contains an entry for this variant (Variation ID: 1353610). This variant has not been reported in the literature in individuals affected with TRPM1-related conditions. This variant is not present in population databases (gnomAD no frequency). This sequence change replaces valine, which is neutral and non-polar, with alanine, which is neutral and non-polar, at codon 1189 of the TRPM1 protein (p.Val1189Ala).